The following is an entry in ClinVar:

ClinVar aggregate classification (germline): Benign (1 of 4 stars; one submission).

Conditions:
Sessile serrated polyposis cancer syndrome (SSPCS). Identifiers: Orphanet 157798, MedGen C4310714, MONDO:0014919, OMIM 617108.

Submission:

Myriad Genetics, Inc.
Classification: Benign for Sessile serrated polyposis cancer syndrome. Last evaluated: 2026-06-29. Review status: criteria provided, single submitter. Criteria: Myriad Autosomal Dominant, Autosomal Recessive and X-Linked Classification Criteria (2023). Collection method: clinical testing. Allele origin: unknown.
Comment: This variant is considered benign. This variant is a silent/synonymous amino acid change and it is not expected to impact splicing.

NM_017763.6(RNF43):c.117A>G (p.Glu39=)

Gene: RNF43 (ring finger protein 43; minus strand). Cytogenetic location: 17q22.
Variant type: single nucleotide variant.
Coding change: c.117A>G on transcript NM_017763.6 (MANE Select); coding-DNA position 117, A replaced by G.
Protein change: p.Glu39=; no amino-acid change (glutamic acid 39 retained).
Molecular consequence: synonymous variant. On other transcripts: intron variant (1).
Genome position (GRCh38, 1-based): chr17:58,415,461, T>C on the plus strand (A>G on the coding strand, the complement: RNF43 is on the minus strand). VCF-style: chr17-58415461-T-C. GRCh37 (hg19) VCF-style: chr17-56492822-T-C.
Other names: c.117A>G, p.Glu39= (NM_001305544.3, NM_001438820.1, NM_001438821.1 and 1 more transcripts); c.-130+1556A>G (NM_001437987.1).
Identifiers: ClinVar variation 4875803 (VCV004875803.1).